The following is an entry in ClinVar:

ClinVar aggregate classification (germline): Likely benign (0 of 4 stars; one submission).

Conditions:
Menkes kinky-hair syndrome (MNK). Also called: Menkes Disease; Copper transport disease; Classic Menkes Disease. Identifiers: Orphanet 565, MedGen C0022716, MONDO:0010651, OMIM 309400.

Submission:

Section on Translational Neuroscience, Molecular Medicine Program; NICHD; National Institutes of Health
Classification: Likely benign for Menkes kinky-hair syndrome. Review status: no assertion criteria provided. Collection method: clinical testing. Allele origin: germline. Affected: no. Study: ATP7A/Menkes disease.
Comment: The variant was identified prenatally and suggested risk for Menkes disease, which did not however develop.

NG_013224.2:g.(?_4960)_(103567_105489)dup

Genes: ATP7A (ATPase copper transporting alpha; plus strand), PGAM4 (phosphoglycerate mutase family member 4; minus strand). Cytogenetic location: Xq21.1.
Variant type: Duplication.
Identifiers: ClinVar variation 139581 (VCV000139581.2).